The following is an entry in ClinVar:

NM_001272046.2(VWA2):c.2027_2035dup (p.Leu678_Ala679insGlyArgLeu)

Genes: AFAP1L2 (actin filament associated protein 1 like 2; minus strand), VWA2 (von Willebrand factor A domain containing 2; plus strand). Cytogenetic location: 10q25.3.
Variant type: Duplication.
Coding change: c.2027_2035dup on transcript NM_001272046.2 (MANE Select); coding-DNA positions 2027 to 2035, 9 bases duplicated (GGAGGCTTG; older notation c.2027_2035dupGGAGGCTTG).
Protein change: p.Leu678_Ala679insGlyArgLeu.
Genome position (GRCh38, 1-based): chr10:114,289,394-114,289,402, GGAGGCTTG duplicated. VCF-style (leftmost placement, unchanged base first): chr10-114289393-C-CGGAGGCTTG. GRCh37 (hg19) VCF-style: chr10-116049152-C-CGGAGGCTTG.
Other names: c.2027_2035dup, p.Leu678_Ala679insGlyArgLeu (NM_001320804.1).
Identifiers: ClinVar variation 3037467 (VCV003037467.17), dbSNP rs553439419, ClinGen allele CA5700843.

ClinVar aggregate classification (germline): Likely benign. Review status: criteria provided, single submitter (1 of 4 stars). 2 submissions from 2 submitters: Likely benign (1). 1 of the submissions does not count toward it. Last evaluated 2024-07-01.

Conditions:
VWA2-related disorder. Also called: VWA2-related condition.

Allele frequency attached by ClinVar (database versions not stated): 1000 Genomes Project 0.00260; ExAC 0.00578; gnomAD 0.00610; TOPMed 0.00668; ESP Exome Variant Server 0.00679; gnomAD exomes 0.00793.

Submissions (2):

CeGaT Center for Human Genetics Tuebingen
Classification: Likely benign. Last evaluated: 2024-07-01. Review status: criteria provided, single submitter. Criteria: CeGaT Center For Human Genetics Tuebingen Variant Classification Criteria Version 2. Collection method: clinical testing. Allele origin: germline. Affected: yes. Observed: 1 variant allele.
Comment: VWA2: PM4, BS2

PreventionGenetics, part of Exact Sciences
Classification: Likely benign for VWA2-related condition. Last evaluated: 2019-12-09. Review status: no assertion criteria provided. Collection method: clinical testing. Allele origin: germline. Not counted in ClinVar's aggregate classification.
Comment: This variant is classified as likely benign based on ACMG/AMP sequence variant interpretation guidelines (Richards et al. 2015 PMID: 25741868, with internal and published modifications).